The following is an entry in ClinVar:

NM_000264.5(PTCH1):c.2105C>T (p.Pro702Leu)

Genes: PTCH1 (patched 1; minus strand), LOC100507346 (uncharacterized LOC100507346; plus strand). Cytogenetic location: 9q22.32.
Variant type: single nucleotide variant.
Coding change: c.2105C>T on transcript NM_000264.5 (MANE Select); coding-DNA position 2105, C replaced by T.
Protein change: p.Pro702Leu; replaces proline 702 with leucine.
Molecular consequence: missense variant. On other transcripts: non-coding transcript variant (2).
Genome position (GRCh38, 1-based): chr9:95,468,896, G>A on the plus strand (C>T on the coding strand, the complement: PTCH1 is on the minus strand). VCF-style: chr9-95468896-G-A. GRCh37 (hg19) VCF-style: chr9-98231178-G-A.
Other names: c.1907C>T, p.Pro636Leu (NM_001083602.3); c.2102C>T, p.Pro701Leu (NM_001083603.3); c.1652C>T, p.Pro551Leu (NM_001083604.3, NM_001083605.3, NM_001083606.3 and 1 more transcripts); c.1949C>T, p.Pro650Leu (NM_001354918.2); short protein forms P636L, P701L, P650L, P551L, P702L.
Identifiers: ClinVar variation 820723 (VCV000820723.6), dbSNP rs368362152, ClinGen allele CA374115646.

ClinVar aggregate classification (germline): Uncertain significance. Review status: criteria provided, multiple submitters, no conflicts (2 of 4 stars). 3 submissions from 3 submitters: Uncertain significance (3). Last evaluated 2024-03-01.

Conditions:
Hereditary cancer-predisposing syndrome. Also called: Neoplastic Syndromes, Hereditary; Tumor predisposition; Hereditary Cancer Syndrome; Hereditary neoplastic syndrome. Identifiers: Orphanet 140162, MedGen C0027672, MeSH D009386, MONDO:0015356.
Basal cell carcinoma, susceptibility to, 1. Also called: BCC1. Identifiers: MedGen C2751544, MONDO:0011556, OMIM 605462.

Submissions (3):

GeneDx
Classification: Uncertain significance. Last evaluated: 2024-03-01. Review status: criteria provided, single submitter. Criteria: GeneDx Variant Classification Process June 2021. Collection method: clinical testing. Allele origin: germline. Affected: yes.
Comment: Not observed at significant frequency in large population cohorts (gnomAD); In silico analysis supports that this missense variant does not alter protein structure/function; Has not been previously published as pathogenic or benign to our knowledge; This variant is associated with the following publications: (PMID: 11331587)

Baylor Genetics
Classification: Uncertain significance for Basal cell carcinoma, susceptibility to, 1. Last evaluated: 2023-06-29. Review status: criteria provided, single submitter. Criteria: ACMG Guidelines, 2015. Collection method: clinical testing. Allele origin: unknown.

Ambry Genetics
Classification: Uncertain significance for Hereditary cancer-predisposing syndrome. Last evaluated: 2019-03-21. Review status: criteria provided, single submitter. Criteria: Ambry Variant Classification Scheme 2023. Collection method: clinical testing. Allele origin: germline.
Comment: The p.P702L variant (also known as c.2105C>T), located in coding exon 14 of the PTCH1 gene, results from a C to T substitution at nucleotide position 2105. The proline at codon 702 is replaced by leucine, an amino acid with similar properties. This amino acid position is highly conserved in available vertebrate species. In addition, the in silico prediction for this alteration is inconclusive. Since supporting evidence is limited at this time, the clinical significance of this alteration remains unclear.